The following is an entry in ClinVar:

ClinVar aggregate classification (germline): Uncertain significance (1 of 4 stars; one submission).

Conditions:
MHC class I deficiency. Identifiers: Orphanet 34592, MedGen C6024714, MONDO:0011476.

Allele frequency attached by ClinVar (database versions not stated): gnomAD exomes 0.00001 and 0.00002; TOPMed 0.00003; ExAC 0.00003; gnomAD 0.00003 and 0.00004.
gnomAD v4.1: 19 of 1,613,728 alleles (0.0012%); highest among the groups gnomAD compares: African/African-American, 0.004%; no homozygotes.

Submission:

Labcorp Genetics (formerly Invitae), Labcorp
Classification: Uncertain significance for MHC class I deficiency 1. Last evaluated: 2021-08-28. Review status: criteria provided, single submitter. Criteria: Invitae Variant Classification Sherloc (09022015). Collection method: clinical testing. Allele origin: germline.
Comment: This variant has not been reported in the literature in individuals affected with TAP2-related conditions. This variant is present in population databases (rs778896765, ExAC 0.005%). This sequence change replaces arginine with glutamine at codon 623 of the TAP2 protein (p.Arg623Gln). The arginine residue is highly conserved and there is a small physicochemical difference between arginine and glutamine. In summary, the available evidence is currently insufficient to determine the role of this variant in disease. Therefore, it has been classified as a Variant of Uncertain Significance. Algorithms developed to predict the effect of missense changes on protein structure and function are either unavailable or do not agree on the potential impact of this missense change (SIFT: "Tolerated"; PolyPhen-2: "Not Available"; Align-GVGD: "Class C0").

NM_001290043.2(TAP2):c.1868G>A (p.Arg623Gln)

Gene: TAP2 (transporter 2, ATP binding cassette subfamily B member; minus strand). Cytogenetic location: 6p21.32.
Variant type: single nucleotide variant.
Coding change: c.1868G>A on transcript NM_001290043.2 (MANE Select); coding-DNA position 1868, G replaced by A.
Protein change: p.Arg623Gln; replaces arginine 623 with glutamine.
Molecular consequence: missense variant.
Genome position (GRCh38, 1-based): chr6:32,829,464, C>T on the plus strand (G>A on the coding strand, the complement: TAP2 is on the minus strand). VCF-style: chr6-32829464-C-T. GRCh37 (hg19) VCF-style: chr6-32797241-C-T.
Other names: c.1868G>A, p.Arg623Gln (NM_000544.3, NM_018833.3); short protein forms R623Q.
Identifiers: ClinVar variation 1399848 (VCV001399848.6), dbSNP rs778896765, ClinGen allele CA3745777.